The following is an entry in ClinVar:

ClinVar aggregate classification (germline): Uncertain significance (1 of 4 stars; one submission).

Conditions:
Luscan-Lumish syndrome. Identifiers: Orphanet 597738, MedGen C4085873, MONDO:0014791, OMIM 616831.

Submission:

Labcorp Genetics (formerly Invitae), Labcorp
Classification: Uncertain significance for Luscan-Lumish syndrome. Last evaluated: 2022-03-19. Review status: criteria provided, single submitter. Criteria: Invitae Variant Classification Sherloc (09022015). Collection method: clinical testing. Allele origin: germline.
Comment: This sequence change replaces leucine, which is neutral and non-polar, with serine, which is neutral and polar, at codon 732 of the SETD2 protein (p.Leu732Ser). This variant is not present in population databases (gnomAD no frequency). This variant has not been reported in the literature in individuals affected with SETD2-related conditions. ClinVar contains an entry for this variant (Variation ID: 1011053). Algorithms developed to predict the effect of missense changes on protein structure and function output the following: SIFT: "Tolerated"; PolyPhen-2: "Benign"; Align-GVGD: "Class C0". The serine amino acid residue is found in multiple mammalian species, which suggests that this missense change does not adversely affect protein function. In summary, the available evidence is currently insufficient to determine the role of this variant in disease. Therefore, it has been classified as a Variant of Uncertain Significance.

NM_014159.7(SETD2):c.2195T>C (p.Leu732Ser)

Gene: SETD2 (SET domain containing 2, histone lysine methyltransferase; minus strand). Cytogenetic location: 3p21.31.
Variant type: single nucleotide variant.
Coding change: c.2195T>C on transcript NM_014159.7 (MANE Select); coding-DNA position 2195, T replaced by C.
Protein change: p.Leu732Ser; replaces leucine 732 with serine.
Molecular consequence: missense variant. On other transcripts: non-coding transcript variant (1).
Genome position (GRCh38, 1-based): chr3:47,122,441, A>G on the plus strand (T>C on the coding strand, the complement: SETD2 is on the minus strand). VCF-style: chr3-47122441-A-G. GRCh37 (hg19) VCF-style: chr3-47163931-A-G.
Other names: c.2063T>C, p.Leu688Ser (NM_001349370.3); short protein forms L688S, L732S.
Identifiers: ClinVar variation 1011053 (VCV001011053.5), dbSNP rs2043136924, ClinGen allele CA352527520.